The following is an entry in ClinVar:

ClinVar aggregate classification (germline): Uncertain significance (1 of 4 stars; one submission).

gnomAD v4.1: 8 of 1,538,406 alleles (0.00052%); highest among the groups gnomAD compares: Non-Finnish European, 0.00072%; no homozygotes.

Submission:

Mayo Clinic Laboratories, Mayo Clinic
Classification: Uncertain significance. Last evaluated: 2024-01-03. Review status: criteria provided, single submitter. Criteria: ACMG Guidelines, 2015. Collection method: clinical testing. Allele origin: germline. Observed: 1 variant allele.
Comment: PP3

NM_001365088.1(SLC12A6):c.1645G>A (p.Asp549Asn)

Gene: SLC12A6 (solute carrier family 12 member 6; minus strand). Cytogenetic location: 15q14.
Variant type: single nucleotide variant.
Coding change: c.1645G>A on transcript NM_001365088.1 (MANE Select); coding-DNA position 1645, G replaced by A.
Protein change: p.Asp549Asn; replaces aspartic acid 549 with asparagine.
Molecular consequence: missense variant.
Genome position (GRCh38, 1-based): chr15:34,250,302, C>T on the plus strand (G>A on the coding strand, the complement: SLC12A6 is on the minus strand). VCF-style: chr15-34250302-C-T. GRCh37 (hg19) VCF-style: chr15-34542503-C-T.
Other names: p.Asp549Asn; c.1468G>A, p.Asp490Asn (NM_001042494.2, NM_001042495.2); c.1618G>A, p.Asp540Asn (NM_001042496.2); c.1600G>A, p.Asp534Asn (NM_001042497.2); c.1492G>A, p.Asp498Asn (NM_005135.2); c.1645G>A, p.Asp549Asn (NM_133647.2); short protein forms D490N, D498N, D534N, D540N, D549N.
Identifiers: ClinVar variation 3380255 (VCV003380255.1).